The following is an entry in ClinVar:

ClinVar aggregate classification (germline): Conflicting classifications of pathogenicity. Review status: criteria provided, conflicting classifications (1 of 4 stars). 2 submissions from 2 submitters: Uncertain significance (1); Likely benign (1). Last evaluated 2026-09-11.

Conditions:
Hereditary cancer-predisposing syndrome. Also called: Neoplastic Syndromes, Hereditary; Hereditary neoplastic syndrome; Hereditary Cancer Syndrome; Tumor predisposition. Identifiers: Orphanet 140162, MedGen C0027672, MeSH D009386, MONDO:0015356.
Peutz-Jeghers syndrome (PJS). Also called: POLYPOSIS, HAMARTOMATOUS INTESTINAL; POLYPS-AND-SPOTS SYNDROME; Peutz-Jeghers polyposis; Periorificial lentiginosis syndrome. Identifiers: Orphanet 2869, MedGen C0031269, MeSH D010580, MONDO:0008280, OMIM 175200.

Submissions (2):

Ambry Genetics
Classification: Likely benign for Hereditary cancer-predisposing syndrome. Last evaluated: 2026-09-11. Review status: criteria provided, single submitter. Criteria: Ambry Variant Classification Scheme 2023. Collection method: clinical testing. Allele origin: germline.

Labcorp Genetics (formerly Invitae), Labcorp
Classification: Uncertain significance for Peutz-Jeghers syndrome. Last evaluated: 2025-09-01. Review status: criteria provided, single submitter. Criteria: Invitae Variant Classification Sherloc (09022015). Collection method: clinical testing. Allele origin: germline.
Comment: This sequence change replaces asparagine, which is neutral and polar, with histidine, which is basic and polar, at codon 380 of the STK11 protein (p.Asn380His). This variant is not present in population databases (gnomAD no frequency). This variant has not been reported in the literature in individuals affected with STK11-related conditions. ClinVar contains an entry for this variant (Variation ID: 480700). Invitae Evidence Modeling of protein sequence and biophysical properties (such as structural, functional, and spatial information, amino acid conservation, physicochemical variation, residue mobility, and thermodynamic stability) indicates that this missense variant is not expected to disrupt STK11 protein function with a negative predictive value of 95%. In summary, the available evidence is currently insufficient to determine the role of this variant in disease. Therefore, it has been classified as a Variant of Uncertain Significance.

NM_000455.5(STK11):c.1138A>C (p.Asn380His)

Gene: STK11 (serine/threonine kinase 11; plus strand). Cytogenetic location: 19p13.3.
Variant type: single nucleotide variant.
Coding change: c.1138A>C on transcript NM_000455.5 (MANE Select); coding-DNA position 1138, A replaced by C.
Protein change: p.Asn380His; replaces asparagine 380 with histidine.
Molecular consequence: missense variant.
Genome position (GRCh38, 1-based): chr19:1,226,483, A>C. VCF-style: chr19-1226483-A-C. GRCh37 (hg19) VCF-style: chr19-1226482-A-C.
Other names: short protein forms N380H.
Identifiers: ClinVar variation 480700 (VCV000480700.13), dbSNP rs1555740084, ClinGen allele CA402953282.